The following is an entry in ClinVar:

ClinVar aggregate classification (germline): Uncertain significance. Review status: criteria provided, multiple submitters, no conflicts (2 of 4 stars). 3 submissions from 3 submitters: Uncertain significance (3). Last evaluated 2026-01-13.

Conditions:
TAF1-related disorder. Also called: TAF1-related condition.
Inborn genetic diseases. Identifiers: MedGen C0950123, MeSH D030342.

Allele frequency attached by ClinVar (database versions not stated): TOPMed below 0.00001.

Submissions (3):

PreventionGenetics, part of Exact Sciences
Classification: Uncertain significance for TAF1-related condition. Last evaluated: 2026-01-13. Review status: criteria provided, single submitter. Criteria: ACMG Guidelines, 2015. Collection method: clinical testing. Allele origin: germline.
Comment: The TAF1 c.1180C>T variant is predicted to result in the amino acid substitution p.His394Tyr. To our knowledge, this variant has not been reported in the literature or in a large population database (gnomAD), indicating this variant is rare. At this time, the clinical significance of this variant is uncertain due to the absence of conclusive functional and genetic evidence.

Ambry Genetics
Classification: Uncertain significance for Inborn genetic diseases. Last evaluated: 2025-01-17. Review status: criteria provided, single submitter. Criteria: Ambry Variant Classification Scheme 2023. Collection method: clinical testing. Allele origin: germline.

Labcorp Genetics (formerly Invitae), Labcorp
Classification: Uncertain significance. Last evaluated: 2024-08-30. Review status: criteria provided, single submitter. Criteria: Invitae Variant Classification Sherloc (09022015). Collection method: clinical testing. Allele origin: germline.
Comment: This sequence change replaces histidine, which is basic and polar, with tyrosine, which is neutral and polar, at codon 394 of the TAF1 protein (p.His394Tyr). This variant is not present in population databases (gnomAD no frequency). This variant has not been reported in the literature in individuals affected with TAF1-related conditions. An algorithm developed to predict the effect of missense changes on protein structure and function (PolyPhen-2) suggests that this variant is likely to be tolerated. In summary, the available evidence is currently insufficient to determine the role of this variant in disease. Therefore, it has been classified as a Variant of Uncertain Significance.

NM_004606.5(TAF1):c.1120C>T (p.His374Tyr)

Gene: TAF1 (TATA-box binding protein associated factor 1; plus strand). Cytogenetic location: Xq13.1.
Variant type: single nucleotide variant.
Coding change: c.1120C>T on transcript NM_004606.5 (MANE Select); coding-DNA position 1120, C replaced by T.
Protein change: p.His374Tyr; replaces histidine 374 with tyrosine.
Molecular consequence: missense variant. On other transcripts: non-coding transcript variant (9).
Genome position (GRCh38, 1-based): chrX:71,378,421, C>T. VCF-style: chrX-71378421-C-T. GRCh37 (hg19) VCF-style: chrX-70598271-C-T.
Other names: c.1120C>T, p.His374Tyr (NM_001286074.2); c.1057C>T, p.His353Tyr (NM_138923.4); c.1180C>T (NM_001286074.1, NM_004606.3); short protein forms H353Y, H374Y.
Identifiers: ClinVar variation 2984593 (VCV002984593.6), dbSNP rs2033638240, ClinGen allele CA413509497.
Genomic context (GRCh38, chrX:71,378,421, plus strand): 5'-CTGGGTGTCCCTGAAGATGGCAGTGGGTTTGACTATGGCTTCAAACTGAGAAAGACAGAA[C>T]ATGAACCTGTGATAAAATCTAGAATGATAGAGGTGAGCAACACTGGTATGTAAGAAAGGA-3'
Protein context (NP_004597.3, residues 364-384): DYGFKLRKTE[His374Tyr]EPVIKSRMIE